The following is an entry in ClinVar:

ClinVar aggregate classification (germline): Uncertain significance (1 of 4 stars; one submission).

Conditions:
Early-infantile DEE. Also called: Early infantile epileptic encephalopathy; Ohtahara syndrome; Early infantile epileptic encephalopathy with suppression bursts. Identifiers: Orphanet 1934, MedGen C0393706, MONDO:0800491.

Submission:

Labcorp Genetics (formerly Invitae), Labcorp
Classification: Uncertain significance for Early-infantile DEE. Last evaluated: 2024-06-05. Review status: criteria provided, single submitter. Criteria: Invitae Variant Classification Sherloc (09022015). Collection method: clinical testing. Allele origin: germline.
Comment: This sequence change replaces serine, which is neutral and polar, with isoleucine, which is neutral and non-polar, at codon 1456 of the SCN1A protein (p.Ser1456Ile). This variant is not present in population databases (gnomAD no frequency). This variant has not been reported in the literature in individuals affected with SCN1A-related conditions. Advanced modeling of protein sequence and biophysical properties (such as structural, functional, and spatial information, amino acid conservation, physicochemical variation, residue mobility, and thermodynamic stability) performed at Invitae indicates that this missense variant is expected to disrupt SCN1A protein function with a positive predictive value of 95%. In summary, the available evidence is currently insufficient to determine the role of this variant in disease. Therefore, it has been classified as a Variant of Uncertain Significance.

NM_001165963.4(SCN1A):c.4367G>T (p.Ser1456Ile)

Genes: SCN1A (sodium voltage-gated channel alpha subunit 1; minus strand), LOC102724058 (uncharacterized LOC102724058; plus strand). Cytogenetic location: 2q24.3.
Variant type: single nucleotide variant.
Coding change: c.4367G>T on transcript NM_001165963.4 (MANE Select); coding-DNA position 4367, G replaced by T.
Protein change: p.Ser1456Ile; replaces serine 1456 with isoleucine.
Molecular consequence: missense variant. On other transcripts: non-coding transcript variant (1).
Genome position (GRCh38, 1-based): chr2:165,998,147, C>A on the plus strand (G>T on the coding strand, the complement: SCN1A is on the minus strand). VCF-style: chr2-165998147-C-A. GRCh37 (hg19) VCF-style: chr2-166854657-C-A.
Other names: c.4283G>T, p.Ser1428Ile (NM_001165964.3, NM_001353958.2, NM_001353957.2); c.4367G>T, p.Ser1456Ile (NM_001202435.3, NM_001353948.2); c.4334G>T, p.Ser1445Ile (NM_001353949.2, NM_001353950.2, NM_001353951.2 and 2 more transcripts); c.4331G>T, p.Ser1444Ile (NM_001353954.2, NM_001353955.2); c.4280G>T, p.Ser1427Ile (NM_001353960.2); c.1925G>T, p.Ser642Ile (NM_001353961.2); short protein forms S1444I, S642I, S1427I, S1445I, S1428I, S1456I.
Identifiers: ClinVar variation 3634014 (VCV003634014.2).